The following is an entry in ClinVar:

ClinVar aggregate classification (germline): Conflicting classifications of pathogenicity. Review status: criteria provided, conflicting classifications (1 of 4 stars). 3 submissions from 3 submitters: Uncertain significance (1); Likely benign (1). 1 of the submissions does not count toward it. Last evaluated 2025-12-11.

Conditions:
FCSK-related disorder. Also called: FCSK-related condition.

Allele frequency attached by ClinVar (database versions not stated): gnomAD exomes 0.00023; ESP Exome Variant Server 0.00078; 1000 Genomes Project 0.00120; gnomAD 0.00170; 1000 Genomes Project 30x 0.00172.
gnomAD v4.1: 578 of 1,528,764 alleles (0.038%); highest among the groups gnomAD compares: African/African-American, 0.64%; 4 homozygotes.

Submissions (3):

Ambry Genetics
Classification: Uncertain significance. Last evaluated: 2025-12-11. Review status: criteria provided, single submitter. Criteria: Ambry Variant Classification Scheme 2023. Collection method: clinical testing. Allele origin: germline.

Labcorp Genetics (formerly Invitae), Labcorp
Classification: Likely benign. Last evaluated: 2025-12-02. Review status: criteria provided, single submitter. Criteria: Invitae Variant Classification Sherloc (09022015). Collection method: clinical testing. Allele origin: germline.

PreventionGenetics, part of Exact Sciences
Classification: Likely benign for FCSK-related condition. Last evaluated: 2019-08-05. Review status: no assertion criteria provided. Collection method: clinical testing. Allele origin: germline. Not counted in ClinVar's aggregate classification.
Comment: This variant is classified as likely benign based on ACMG/AMP sequence variant interpretation guidelines (Richards et al. 2015 PMID: 25741868, with internal and published modifications).

NM_145059.3(FCSK):c.1712G>A (p.Arg571His)

Gene: FCSK (fucose kinase; plus strand). Cytogenetic location: 16q22.1.
Variant type: single nucleotide variant.
Coding change: c.1712G>A on transcript NM_145059.3 (MANE Select); coding-DNA position 1712, G replaced by A.
Protein change: p.Arg571His; replaces arginine 571 with histidine.
Molecular consequence: missense variant.
Genome position (GRCh38, 1-based): chr16:70,473,288, G>A. VCF-style: chr16-70473288-G-A. GRCh37 (hg19) VCF-style: chr16-70507191-G-A.
Other names: c.1712G>A (NM_145059.2); short protein forms R571H.
Identifiers: ClinVar variation 2044094 (VCV002044094.7), dbSNP rs17886171, ClinGen allele CA8143406.